The following is an entry in ClinVar:

ClinVar aggregate classification (germline): Likely pathogenic. Review status: criteria provided, multiple submitters, no conflicts (2 of 4 stars). 3 submissions from 3 submitters: Likely pathogenic (2). 1 of the submissions does not count toward it. Last evaluated 2024-11-21.

Conditions:
Hydrops-lactic acidosis-sideroblastic anemia-multisystemic failure syndrome. Also called: Hydrops, lactic acidosis, and sideroblastic anemia. Identifiers: Orphanet 528091, MedGen C4310761, MONDO:0014869, OMIM 617021.

Allele frequency attached by ClinVar (database versions not stated): gnomAD exomes below 0.00001.
gnomAD v4.1: 1 of 1,614,066 alleles (0.000062%); highest among the groups gnomAD compares: Non-Finnish European, 0.000085%; no homozygotes.

Submissions (3):

GeneDx
Classification: Likely pathogenic. Last evaluated: 2024-11-21. Review status: criteria provided, single submitter. Criteria: GeneDx Variant Classification Process June 2021. Collection method: clinical testing. Allele origin: germline. Affected: yes.
Comment: Not observed at significant frequency in large population cohorts (gnomAD); Published functional studies suggest a damaging effect as D438G resulted in a 1.8-fold loss in catalytic efficiency when compared with wild type (PMID: 32442335); In silico analysis indicates that this missense variant does not alter protein structure/function; This variant is associated with the following publications: (PMID: 35750896, 32442335)

Kids Research, The Children's Hospital at Westmead
Classification: Likely pathogenic for Hydrops, lactic acidosis, and sideroblastic anemia. Last evaluated: 2019-07-18. Review status: criteria provided, single submitter. Criteria: ACMG Guidelines, 2015. Collection method: research. Allele origin: inherited. Inheritance: Autosomal recessive inheritance. Affected: yes. Observed: 1 compound heterozygote.

OMIM
Classification: Pathogenic for HYDROPS, LACTIC ACIDOSIS, AND SIDEROBLASTIC ANEMIA. Last evaluated: 2021-01-15. Review status: no assertion criteria provided. Collection method: literature only. Allele origin: germline. Not counted in ClinVar's aggregate classification.

Literature cited by the submitters: PubMed 32442335 (cited by OMIM).

NM_015340.4(LARS2):c.1313A>G (p.Asp438Gly)

Genes: LARS2 (leucyl-tRNA synthetase 2, mitochondrial; plus strand), LARS2-AS1 (LARS2 antisense RNA 1; minus strand). Cytogenetic location: 3p21.31.
Variant type: single nucleotide variant.
Coding change: c.1313A>G on transcript NM_015340.4 (MANE Select); coding-DNA position 1313, A replaced by G.
Protein change: p.Asp438Gly; replaces aspartic acid 438 with glycine.
Molecular consequence: missense variant.
Genome position (GRCh38, 1-based): chr3:45,491,590, A>G. VCF-style: chr3-45491590-A-G. GRCh37 (hg19) VCF-style: chr3-45533082-A-G.
Other names: c.1313A>G, p.Asp438Gly (NM_001368263.1); short protein forms D438G.
Identifiers: ClinVar variation 691520 (VCV000691520.4), dbSNP rs1575289366, ClinGen allele CA352425700.
Genomic context (GRCh38, chr3:45,491,590, plus strand): 5'-CCCGGCAGGATGCTTTTCTAGCCCTGACTCAGAAAGCCCGGGGGAAGAGAGTGGGTGGAG[A>G]CGTGACAAGTGATAAACTGAAAGACTGGCTGATTTCACGGCAGCGGTACTGGGGCACACC-3'
Protein context (NP_056155.1, residues 428-448): QKARGKRVGG[Asp438Gly]VTSDKLKDWL